The following is an entry in ClinVar:

NM_001854.4(COL11A1):c.706T>G (p.Cys236Gly)

Gene: COL11A1 (collagen type XI alpha 1 chain; minus strand). Cytogenetic location: 1p21.1.
Variant type: single nucleotide variant.
Coding change: c.706T>G on transcript NM_001854.4 (MANE Select); coding-DNA position 706, T replaced by G.
Protein change: p.Cys236Gly; replaces cysteine 236 with glycine.
Molecular consequence: missense variant. On other transcripts: non-coding transcript variant (1).
Genome position (GRCh38, 1-based): chr1:103,031,190, A>C on the plus strand (T>G on the coding strand, the complement: COL11A1 is on the minus strand). VCF-style: chr1-103031190-A-C. GRCh37 (hg19) VCF-style: chr1-103496746-A-C.
Other names: c.706T>G, p.Cys236Gly (NM_001190709.2, NM_080629.3, NM_080630.4); short protein forms C236G.
Identifiers: ClinVar variation 4732349 (VCV004732349.1).

ClinVar aggregate classification (germline): Uncertain significance (1 of 4 stars; one submission).

Submission:

Labcorp Genetics (formerly Invitae), Labcorp
Classification: Uncertain significance. Last evaluated: 2026-01-03. Review status: criteria provided, single submitter. Criteria: Invitae Variant Classification Sherloc (09022015). Collection method: clinical testing. Allele origin: germline.
Comment: This sequence change replaces cysteine, which is neutral and slightly polar, with glycine, which is neutral and non-polar, at codon 236 of the COL11A1 protein (p.Cys236Gly). This variant is not present in population databases (gnomAD no frequency). This variant has not been reported in the literature in individuals affected with COL11A1-related conditions. An algorithm developed to predict the effect of missense changes on protein structure and function (PolyPhen-2) suggests that this variant is likely to be disruptive. In summary, the available evidence is currently insufficient to determine the role of this variant in disease. Therefore, it has been classified as a Variant of Uncertain Significance.